The following is an entry in ClinVar:

ClinVar aggregate classification (germline): Uncertain significance (1 of 4 stars; one submission).

Submission:

CeGaT Center for Human Genetics Tuebingen
Classification: Uncertain significance. Last evaluated: 2024-06-01. Review status: criteria provided, single submitter. Criteria: CeGaT Center For Human Genetics Tuebingen Variant Classification Criteria Version 2. Collection method: clinical testing. Allele origin: germline. Affected: yes. Observed: 2 variant alleles.
Comment: KCNQ1: PM2, PM5, PS4:Supporting

NM_000218.3(KCNQ1):c.1699A>T (p.Ile567Phe)

Gene: KCNQ1 (potassium voltage-gated channel subfamily Q member 1; plus strand). Cytogenetic location: 11p15.5.
Variant type: single nucleotide variant.
Coding change: c.1699A>T on transcript NM_000218.3 (MANE Select); coding-DNA position 1699, A replaced by T.
Protein change: p.Ile567Phe; replaces isoleucine 567 with phenylalanine.
Molecular consequence: missense variant.
Genome position (GRCh38, 1-based): chr11:2,776,999, A>T. VCF-style: chr11-2776999-A-T. GRCh37 (hg19) VCF-style: chr11-2798229-A-T.
Other names: c.1603A>T, p.Ile535Phe (NM_001406836.1); c.1429A>T, p.Ile477Phe (NM_001406837.1); c.1159A>T, p.Ile387Phe (NM_001406838.1); c.1318A>T, p.Ile440Phe (NM_181798.2); short protein forms I440F, I567F, I477F, I387F, I535F.
Identifiers: ClinVar variation 1012792 (VCV001012792.40), dbSNP rs1846717292, ClinGen allele CA379139289.